The following is an entry in ClinVar:

ClinVar aggregate classification (germline): Uncertain significance. Review status: criteria provided, multiple submitters, no conflicts (2 of 4 stars). 2 submissions from 2 submitters: Uncertain significance (2). Last evaluated 2024-03-07.

Conditions:
Dyskeratosis congenita, autosomal recessive 6 (DKCB6). Identifiers: MedGen C4225356, MONDO:0014600, OMIM 616353.
Pulmonary fibrosis and/or bone marrow failure, Telomere-related, 4. Also called: PULMONARY FIBROSIS AND/OR BONE MARROW FAILURE SYNDROME, TELOMERE-RELATED, 4. Identifiers: Orphanet 2032, MedGen C4225347, MONDO:0014612, OMIM 616371.

Submissions (2):

Fulgent Genetics
Classification: Uncertain significance for Dyskeratosis congenita, autosomal recessive 6; Pulmonary fibrosis and/or bone marrow failure, Telomere-related, 4. Last evaluated: 2024-03-07. Review status: criteria provided, single submitter. Criteria: ACMG Guidelines, 2015. Collection method: clinical testing. Allele origin: germline.

Labcorp Genetics (formerly Invitae), Labcorp
Classification: Uncertain significance for Dyskeratosis congenita, autosomal recessive 6; Pulmonary fibrosis and/or bone marrow failure, Telomere-related, 4. Last evaluated: 2022-06-02. Review status: criteria provided, single submitter. Criteria: Invitae Variant Classification Sherloc (09022015). Collection method: clinical testing. Allele origin: germline.
Comment: In summary, the available evidence is currently insufficient to determine the role of this variant in disease. Therefore, it has been classified as a Variant of Uncertain Significance. Variants that disrupt the consensus splice site are a relatively common cause of aberrant splicing (PMID: 17576681, 9536098). Algorithms developed to predict the effect of sequence changes on RNA splicing suggest that this variant may disrupt the consensus splice site. ClinVar contains an entry for this variant (Variation ID: 1424590). This variant has not been reported in the literature in individuals affected with PARN-related conditions. This variant is not present in population databases (gnomAD no frequency). This sequence change affects codon 306 of the PARN mRNA. It is a 'silent' change, meaning that it does not change the encoded amino acid sequence of the PARN protein. This variant also falls at the last nucleotide of exon 13, which is part of the consensus splice site for this exon.

Literature cited by the submitters: PubMed 17576681 (cited by Labcorp Genetics (formerly Invitae), Labcorp); PubMed 9536098 (cited by Labcorp Genetics (formerly Invitae), Labcorp).

NM_002582.4(PARN):c.918G>A (p.Ala306=)

Gene: PARN (poly(A)-specific ribonuclease; minus strand). Cytogenetic location: 16p13.12.
Variant type: single nucleotide variant.
Coding change: c.918G>A on transcript NM_002582.4 (MANE Select); coding-DNA position 918, G replaced by A.
Protein change: p.Ala306=; no amino-acid change (alanine 306 retained).
Molecular consequence: synonymous variant.
Genome position (GRCh38, 1-based): chr16:14,593,301, C>T on the plus strand (G>A on the coding strand, the complement: PARN is on the minus strand). VCF-style: chr16-14593301-C-T. GRCh37 (hg19) VCF-style: chr16-14687158-C-T.
Other names: c.918G>A (NM_002582.3); c.735G>A, p.Ala245= (NM_001134477.3); c.780G>A, p.Ala260= (NM_001242992.2).
Identifiers: ClinVar variation 1424590 (VCV001424590.7), dbSNP rs2151767064, ClinGen allele CA493430210.
Genomic context (GRCh38, chr16:14,593,301, plus strand): 5'-ATATTTTTTCAGATAAAAAGAATCCTGCTAATATTAAACACAGACCAACAGGTCACTTAC[C>T]GCAGGCAGAGGGCAGTAGAACTGATGAACTGTGTGCATGACGTCCAAGAGCATATTGTGT-3'
Protein context (NP_002573.1, residues 296-316): TVHQFYCPLP[Ala306=]DLSEFKEMTT